The following is an entry in ClinVar:

NM_152743.4(BRAT1):c.1152G>A (p.Pro384=)

Gene: BRAT1 (BRCA1 associated ATM activator 1; minus strand). Cytogenetic location: 7p22.3.
Variant type: single nucleotide variant.
Coding change: c.1152G>A on transcript NM_152743.4 (MANE Select); coding-DNA position 1152, G replaced by A.
Protein change: p.Pro384=; no amino-acid change (proline 384 retained).
Molecular consequence: synonymous variant. On other transcripts: non-coding transcript variant (1).
Genome position (GRCh38, 1-based): chr7:2,541,467, C>T on the plus strand (G>A on the coding strand, the complement: BRAT1 is on the minus strand). VCF-style: chr7-2541467-C-T. GRCh37 (hg19) VCF-style: chr7-2581101-C-T.
Other names: c.1152G>A, p.Pro384= (NM_001350626.2); c.627G>A, p.Pro209= (NM_001350627.2).
Identifiers: ClinVar variation 1112864 (VCV001112864.13), dbSNP rs185653171, ClinGen allele CA4127894.

ClinVar aggregate classification (germline): Likely benign. Review status: criteria provided, multiple submitters, no conflicts (2 of 4 stars). 3 submissions from 3 submitters: Likely benign (3). Last evaluated 2026-05-01.

Conditions:
Neonatal-onset encephalopathy with rigidity and seizures. Also called: Lethal neonatal spasticity-epileptic encephalopathy syndrome. Identifiers: Orphanet 435845, MedGen C3281029, MONDO:0013784, OMIM 614498.

Allele frequency attached by ClinVar (database versions not stated): gnomAD exomes 0.00001; TOPMed 0.00001; gnomAD 0.00002 and 0.00003; ExAC 0.00006; 1000 Genomes Project 0.00040; 1000 Genomes Project 30x 0.00047.
gnomAD v4.1: 22 of 1,548,688 alleles (0.0014%); highest among the groups gnomAD compares: Admixed American, 0.006%; no homozygotes.

Submissions (3):

CeGaT Center for Human Genetics Tuebingen
Classification: Likely benign. Last evaluated: 2026-05-01. Review status: criteria provided, single submitter. Criteria: CeGaT Center For Human Genetics Tuebingen Variant Classification Criteria Version 2. Collection method: clinical testing. Allele origin: germline. Affected: yes. Observed: 1 variant allele.
Comment: BRAT1: BP4, BP7

Labcorp Genetics (formerly Invitae), Labcorp
Classification: Likely benign for Neonatal-onset encephalopathy with rigidity and seizures. Last evaluated: 2026-01-19. Review status: criteria provided, single submitter. Criteria: Invitae Variant Classification Sherloc (09022015). Collection method: clinical testing. Allele origin: germline.

GeneDx
Classification: Likely benign. Last evaluated: 2020-08-26. Review status: criteria provided, single submitter. Criteria: GeneDx Variant Classification Process June 2021. Collection method: clinical testing. Allele origin: germline. Affected: yes.